The following is an entry in ClinVar:

ClinVar aggregate classification (germline): Uncertain significance. Review status: criteria provided, multiple submitters, no conflicts (2 of 4 stars). 3 submissions from 3 submitters: Uncertain significance (3). Last evaluated 2025-11-21.

Conditions:
Emery-Dreifuss muscular dystrophy 4, autosomal dominant (EDMD4). Also called: EMERY-DREIFUSS MUSCULAR DYSTROPHY 4 WITH VARIABLE FEATURES. Identifiers: Orphanet 261, MedGen C2751807, MONDO:0013071, OMIM 612998.
Autosomal recessive ataxia, Beauce type. Also called: Spinocerebellar ataxia, autosomal recessive 8; ATAXIA, RECESSIVE, OF BEAUCE; SYNE1-Related Autosomal Recessive Cerebellar Ataxia; SYNE1 Deficiency. Identifiers: Orphanet 88644, MedGen C1853116, MONDO:0012549, OMIM 610743.

Allele frequency attached by ClinVar (database versions not stated): TOPMed 0.00011; ESP Exome Variant Server 0.00008; ExAC 0.00003; gnomAD 0.00004.
gnomAD v4.1: 46 of 1,613,824 alleles (0.0029%); highest among the groups gnomAD compares: Admixed American, 0.012%; no homozygotes.

Submissions (3):

Dasa
Classification: Uncertain significance. Last evaluated: 2025-11-21. Review status: criteria provided, single submitter. Criteria: DASA Assertion Criteria. Collection method: clinical testing. Allele origin: germline.
Comment: NM_182961.4(SYNE1):c.11302C>T (p.Arg3768Trp) is a missense variant that results in the substitution of arginine with tryptophan. This variant is rare in population databases. Computational prediction algorithms are consistent with a benign effect. The currently available literature and clinical evidence are not sufficient to establish a definitive association between this variant and the reported condition. Therefore, this variant is classified as a variant of uncertain significance.

Labcorp Genetics (formerly Invitae), Labcorp
Classification: Uncertain significance for Emery-Dreifuss muscular dystrophy 4, autosomal dominant; Autosomal recessive ataxia, Beauce type. Last evaluated: 2021-10-27. Review status: criteria provided, single submitter. Criteria: Invitae Variant Classification Sherloc (09022015). Collection method: clinical testing. Allele origin: germline.
Comment: This sequence change replaces arginine, a(n) basic and polar amino acid, with tryptophan, a(n) neutral and slightly polar amino acid, at codon 3753 of the SYNE1 protein (p.Arg3753Trp). This variant is present in population databases (rs371013745, gnomAD 0.02%). This variant has not been reported in the literature in individuals affected with SYNE1-related conditions. ClinVar contains an entry for this variant (Variation ID: 288599). Algorithms developed to predict the effect of missense changes on protein structure and function (SIFT, PolyPhen-2, Align-GVGD) all suggest that this variant is likely to be disruptive. In summary, the available evidence is currently insufficient to determine the role of this variant in disease. Therefore, it has been classified as a Variant of Uncertain Significance.

Eurofins Ntd Llc (ga)
Classification: Uncertain significance. Last evaluated: 2016-06-13. Review status: criteria provided, single submitter. Criteria: EGL Classification Definitions 2015. Collection method: clinical testing. Allele origin: germline. Observed: 2 variant alleles, 2 heterozygotes.

NM_182961.4(SYNE1):c.11302C>T (p.Arg3768Trp)

Gene: SYNE1 (spectrin repeat containing nuclear envelope protein 1; minus strand). Cytogenetic location: 6q25.2.
Variant type: single nucleotide variant.
Coding change: c.11302C>T on transcript NM_182961.4 (MANE Select); coding-DNA position 11302, C replaced by T.
Protein change: p.Arg3768Trp; replaces arginine 3768 with tryptophan.
Molecular consequence: missense variant.
Genome position (GRCh38, 1-based): chr6:152,352,305, G>A on the plus strand (C>T on the coding strand, the complement: SYNE1 is on the minus strand). VCF-style: chr6-152352305-G-A. GRCh37 (hg19) VCF-style: chr6-152673440-G-A.
Other names: c.11257C>T, p.Arg3753Trp (NM_033071.5); short protein forms R3768W, R3753W.
Identifiers: ClinVar variation 288599 (VCV000288599.11), dbSNP rs371013745, ClinGen allele CA4056716.